The following is an entry in ClinVar:

NM_152703.5(SAMD9L):c.3316G>A (p.Ala1106Thr)

Gene: SAMD9L (sterile alpha motif domain containing 9 like; minus strand). Cytogenetic location: 7q21.2.
Variant type: single nucleotide variant.
Coding change: c.3316G>A on transcript NM_152703.5 (MANE Select); coding-DNA position 3316, G replaced by A.
Protein change: p.Ala1106Thr; replaces alanine 1106 with threonine.
Molecular consequence: missense variant.
Genome position (GRCh38, 1-based): chr7:93,132,656, C>T on the plus strand (G>A on the coding strand, the complement: SAMD9L is on the minus strand). VCF-style: chr7-93132656-C-T. GRCh37 (hg19) VCF-style: chr7-92761969-C-T.
Other names: c.3316G>A, p.Ala1106Thr (NM_001303496.3, NM_001303497.3, NM_001303498.3 and 5 more transcripts); c.3316G>A (NM_152703.3, NM_152703.2); short protein forms A1106T.
Identifiers: ClinVar variation 1981113 (VCV001981113.7), dbSNP rs1024065863, ClinGen allele CA161959485.

ClinVar aggregate classification (germline): Uncertain significance. Review status: criteria provided, multiple submitters, no conflicts (2 of 4 stars). 4 submissions from 4 submitters: Uncertain significance (4). Last evaluated 2025-05-10.

Conditions:
Inborn genetic diseases. Identifiers: MedGen C0950123, MeSH D030342.

Allele frequency attached by ClinVar (database versions not stated): gnomAD exomes 0.00004.
gnomAD v4.1: 59 of 1,613,814 alleles (0.0037%); highest among the groups gnomAD compares: Non-Finnish European, 0.005%; no homozygotes.

Submissions (4):

Labcorp Genetics (formerly Invitae), Labcorp
Classification: Uncertain significance. Last evaluated: 2025-05-10. Review status: criteria provided, single submitter. Criteria: Invitae Variant Classification Sherloc (09022015). Collection method: clinical testing. Allele origin: germline.
Comment: This sequence change replaces alanine, which is neutral and non-polar, with threonine, which is neutral and polar, at codon 1106 of the SAMD9L protein (p.Ala1106Thr). This variant is present in population databases (no rsID available, gnomAD 0.0009%). This variant has not been reported in the literature in individuals affected with SAMD9L-related conditions. ClinVar contains an entry for this variant (Variation ID: 1981113). Invitae Evidence Modeling of protein sequence and biophysical properties (such as structural, functional, and spatial information, amino acid conservation, physicochemical variation, residue mobility, and thermodynamic stability) indicates that this missense variant is expected to disrupt SAMD9L protein function with a positive predictive value of 80%. In summary, the available evidence is currently insufficient to determine the role of this variant in disease. Therefore, it has been classified as a Variant of Uncertain Significance.

Ambry Genetics
Classification: Uncertain significance for Inborn genetic diseases. Last evaluated: 2025-01-10. Review status: criteria provided, single submitter. Criteria: Ambry Variant Classification Scheme 2023. Collection method: clinical testing. Allele origin: germline.
Comment: The p.A1106T variant (also known as c.3316G>A), located in coding exon 1 of the SAMD9L gene, results from a G to A substitution at nucleotide position 3316. The alanine at codon 1106 is replaced by threonine, an amino acid with similar properties. This amino acid position is conserved. In addition, this alteration is predicted to be tolerated by in silico analysis. Based on the available evidence, the clinical significance of this variant remains unclear.

GeneDx
Classification: Uncertain significance. Last evaluated: 2024-01-22. Review status: criteria provided, single submitter. Criteria: GeneDx Variant Classification Process June 2021. Collection method: clinical testing. Allele origin: germline. Affected: yes.
Comment: Not observed at significant frequency in large population cohorts (gnomAD); In silico analysis supports that this missense variant has a deleterious effect on protein structure/function; Has not been previously published as pathogenic or benign to our knowledge; This variant is associated with the following publications: (PMID: 28545555)

Blueprint Genetics
Classification: Uncertain significance. Last evaluated: 2021-08-28. Review status: criteria provided, single submitter. Criteria: ACMG Guidelines, 2015. Collection method: clinical testing. Allele origin: germline.